The following is an entry in ClinVar:

ClinVar aggregate classification (germline): Uncertain significance (1 of 4 stars; one submission).

Conditions:
Vici syndrome (VICIS). Identifiers: Orphanet 1493, MedGen C1855772, MONDO:0009452, OMIM 242840.

Allele frequency attached by ClinVar (database versions not stated): gnomAD exomes below 0.00001; TOPMed below 0.00001.
gnomAD v4.1: 1 of 1,587,546 alleles (0.000063%); highest among the groups gnomAD compares: Admixed American, 0.0017%; no homozygotes.

Submission:

Labcorp Genetics (formerly Invitae), Labcorp
Classification: Uncertain significance for Vici syndrome. Last evaluated: 2022-04-15. Review status: criteria provided, single submitter. Criteria: Invitae Variant Classification Sherloc (09022015). Collection method: clinical testing. Allele origin: germline.
Comment: This sequence change falls in intron 17 of the EPG5 gene. It does not directly change the encoded amino acid sequence of the EPG5 protein. This variant is not present in population databases (gnomAD no frequency). This variant has not been reported in the literature in individuals affected with EPG5-related conditions. Algorithms developed to predict the effect of sequence changes on RNA splicing suggest that this variant may create or strengthen a splice site. In summary, the available evidence is currently insufficient to determine the role of this variant in disease. Therefore, it has been classified as a Variant of Uncertain Significance.

NM_020964.3(EPG5):c.3240-10T>C

Gene: EPG5 (ectopic P-granules 5 autophagy tethering factor; minus strand). Cytogenetic location: 18q21.1.
Variant type: single nucleotide variant.
Coding change: c.3240-10T>C on transcript NM_020964.3 (MANE Select); 10 bases into the intron before coding-DNA position 3240, T replaced by C.
Molecular consequence: intron variant.
Genome position (GRCh38, 1-based): chr18:45,916,592, A>G on the plus strand (T>C on the coding strand, the complement: EPG5 is on the minus strand). VCF-style: chr18-45916592-A-G. GRCh37 (hg19) VCF-style: chr18-43496557-A-G.
Identifiers: ClinVar variation 2126494 (VCV002126494.1), dbSNP rs2050039388, ClinGen allele CA2300593601.